The following is an entry in ClinVar:

ClinVar aggregate classification (germline): Uncertain significance (1 of 4 stars; one submission).

Submission:

GeneDx
Classification: Uncertain significance. Last evaluated: 2016-12-12. Review status: criteria provided, single submitter. Criteria: GeneDx Variant Classification (06012015). Collection method: clinical testing. Allele origin: germline. Affected: yes.
Comment: A variant of uncertain significance has been identified in the MYH11 gene. The A1754V variant has not been published as a pathogenic variant, nor has it been reported as a benign variant to our knowledge. This variant was not observed in approximately 6,500 individuals of European and African American ancestry in the NHLBI Exome Sequencing Project, indicating it is not a common benign variant in these populations. However, the A1754V variant is a conservative amino acid substitution, which is not likely to impact secondary protein structure as these residues share similar properties. This substitution occurs at a position that is not conserved across species. Finally, in silico analysis is inconsistent in its predictions as to whether or not the variant is damaging to the protein structure/function.

NM_002474.3(MYH11):c.5261C>T (p.Ala1754Val)

Genes: MYH11 (myosin heavy chain 11; minus strand), NDE1 (nudE neurodevelopment protein 1; plus strand). Cytogenetic location: 16p13.11.
Variant type: single nucleotide variant.
Coding change: c.5261C>T on transcript NM_002474.3 (MANE Select); coding-DNA position 5261, C replaced by T.
Protein change: p.Ala1754Val; replaces alanine 1754 with valine.
Molecular consequence: missense variant. On other transcripts: intron variant (2).
Genome position (GRCh38, 1-based): chr16:15,718,349, G>A on the plus strand (C>T on the coding strand, the complement: MYH11 is on the minus strand). VCF-style: chr16-15718349-G-A. GRCh37 (hg19) VCF-style: chr16-15812206-G-A.
Other names: c.5282C>T, p.Ala1761Val (NM_001040113.2, NM_001040114.2); c.5261C>T, p.Ala1754Val (NM_022844.3); c.948-5842G>A (NM_001143979.2, NM_017668.3); short protein forms A1754V, A1761V.
Identifiers: ClinVar variation 373785 (VCV000373785.1), dbSNP rs904032269, ClinGen allele CA16042973.
Genomic context (GRCh38, chr16:15,718,349, plus strand): 5'-GACTGTGGTGTCCAGGCGGCCCTCACCTGCTGTGTGGCTTTGCGGACCCGGTCGCTCATG[G>A]CCTCCATGTTGCCCTGCTCCTCCTCCAGCTCCTCCTCCAGCTGGGCGATCCGGGCCTCCA-3'
Protein context (NP_002465.1, residues 1744-1764): ELEEEQGNME[Ala1754Val]MSDRVRKATQ